The following is an entry in ClinVar:

NM_014244.5(ADAMTS2):c.91_92insTCTTATACACATCTGTGAT (p.Pro31fs)

Gene: ADAMTS2 (ADAM metallopeptidase with thrombospondin type 1 motif 2; minus strand). Cytogenetic location: 5q35.3.
Variant type: Insertion.
Coding change: c.91_92insTCTTATACACATCTGTGAT on transcript NM_014244.5 (MANE Select); coding-DNA positions 91 to 92, TCTTATACACATCTGTGAT inserted.
Protein change: p.Pro31fs; shifts the reading frame from proline 31.
Molecular consequence: frameshift variant.
Genome position: GRCh38 VCF-style: chr5-179345237-G-GATCACAGATGTGTATAAGA. GRCh37 (hg19) VCF-style: chr5-178772238-G-GATCACAGATGTGTATAAGA.
Other names: c.91_92insTCTTATACACATCTGTGAT, p.Pro31fs (NM_021599.4); short protein forms P31fs.
Identifiers: ClinVar variation 5016380 (VCV005016380.1).

ClinVar aggregate classification (germline): Pathogenic (1 of 4 stars; one submission).

Conditions:
Ehlers-Danlos syndrome, dermatosparaxis type. Also called: EDS VIIC; Dermatosparaxis; Ehlers-Danlos syndrome, type VII, autosomal recessive. Identifiers: Orphanet 1901, MedGen C2700425, MONDO:0009161, OMIM 225410.

Submission:

Myriad Genetics, Inc.
Classification: Pathogenic for Ehlers-Danlos syndrome, dermatosparaxis type. Last evaluated: 2024-05-14. Review status: criteria provided, single submitter. Criteria: Myriad Autosomal Dominant, Autosomal Recessive and X-Linked Classification Criteria (2023). Collection method: clinical testing. Allele origin: unknown.
Comment: NM_014244.4(ADAMTS2):c.91_92ins19(P31Lfs*41) is expected to be pathogenic in the context of Ehlers-Danlos syndrome, ADAMTS2-related. This variant is predicted to lead to an abnormal or absent protein product due to the creation of a premature termination codon in ADAMTS2, a gene where loss-of-function variants are known to be pathogenic. Please note: this variant was assessed in the context of healthy population screening.